The following is an entry in ClinVar:

NM_001368809.2(AMPD2):c.269del (p.Pro90fs)

Gene: AMPD2 (adenosine monophosphate deaminase 2; plus strand). Cytogenetic location: 1p13.3.
Variant type: Deletion.
Coding change: c.269del on transcript NM_001368809.2 (MANE Select); coding-DNA position 269, one base deleted (C; older notation c.269delC).
Protein change: p.Pro90fs; shifts the reading frame from proline 90.
Molecular consequence: frameshift variant.
Genome position (GRCh38, 1-based): chr1:109,625,708, C deleted; the last of 4 consecutive C bases (chr1:109,625,705-109,625,708); deleting any one gives the same sequence. VCF-style (leftmost placement, unchanged base first): chr1-109625704-GC-G. GRCh37 (hg19) VCF-style: chr1-110168326-GC-G.
Other names: c.77del, p.Pro26fs (NM_001257361.2); c.206del, p.Pro69fs (NM_001308170.1); c.269del, p.Pro90fs (NM_004037.9); c.188del, p.Pro63fs (NM_139156.4); short protein forms P26fs, P63fs, P69fs, P90fs.
Identifiers: ClinVar variation 3382962 (VCV003382962.2).

ClinVar aggregate classification (germline): Likely pathogenic (1 of 4 stars; one submission).

Conditions:
Hereditary spastic paraplegia 63. Also called: Spastic paraplegia 63, autosomal recessive. Identifiers: Orphanet 401805, MedGen C3810295, MONDO:0014305, OMIM 615686.
Pontocerebellar hypoplasia type 9. Identifiers: Orphanet 369920, MedGen C4014354, MONDO:0014351, OMIM 615809.

Submission:

Juno Genomics, Hangzhou Juno Genomics, Inc
Classification: Likely pathogenic for Hereditary spastic paraplegia 63; Pontocerebellar hypoplasia type 9. Review status: criteria provided, single submitter. Criteria: ACMG Guidelines, 2015. Collection method: clinical testing. Allele origin: germline. Affected: yes.
Comment: Absent from controls (or at extremely low frequency if recessive) in Genome Aggregation Database, Exome Sequencing Project, 1000 Genomes Project, or Exome Aggregation Consortium.;Null variant in a gene where loss of function (LOF) is a known mechanism of disease.